The following is an entry in ClinVar:

ClinVar aggregate classification (germline): Conflicting classifications of pathogenicity. Review status: criteria provided, conflicting classifications (1 of 4 stars). 2 submissions from 2 submitters: Uncertain significance (1); Likely benign (1). Last evaluated 2024-11-01.

Allele frequency attached by ClinVar (database versions not stated): ExAC 0.00018; 1000 Genomes Project 0.00020; ESP Exome Variant Server 0.00023; gnomAD 0.00026; TOPMed 0.00026; gnomAD exomes 0.00045; 1000 Genomes Project 30x 0.00016.
gnomAD v4.1: 685 of 1,614,010 alleles (0.042%); highest among the groups gnomAD compares: Non-Finnish European, 0.055%; 1 homozygote.

Submissions (2):

CeGaT Center for Human Genetics Tuebingen
Classification: Likely benign. Last evaluated: 2024-11-01. Review status: criteria provided, single submitter. Criteria: CeGaT Center For Human Genetics Tuebingen Variant Classification Criteria Version 2. Collection method: clinical testing. Allele origin: germline. Affected: yes. Observed: 3 variant alleles.
Comment: NCDN: BS2

Ambry Genetics
Classification: Uncertain significance. Last evaluated: 2021-08-09. Review status: criteria provided, single submitter. Criteria: Ambry Variant Classification Scheme 2023. Collection method: clinical testing. Allele origin: germline.

NM_014284.3(NCDN):c.1349C>T (p.Thr450Ile)

Gene: NCDN (neurochondrin; plus strand). Cytogenetic location: 1p34.3.
Variant type: single nucleotide variant.
Coding change: c.1349C>T on transcript NM_014284.3 (MANE Select); coding-DNA position 1349, C replaced by T.
Protein change: p.Thr450Ile; replaces threonine 450 with isoleucine.
Molecular consequence: missense variant.
Genome position (GRCh38, 1-based): chr1:35,562,597, C>T. VCF-style: chr1-35562597-C-T. GRCh37 (hg19) VCF-style: chr1-36028198-C-T.
Other names: c.1349C>T, p.Thr450Ile (NM_001014839.2); c.1298C>T, p.Thr433Ile (NM_001014841.2); short protein forms T433I, T450I.
Identifiers: ClinVar variation 2405199 (VCV002405199.26), dbSNP rs142794758, ClinGen allele CA760260.
Genomic context (GRCh38, chr1:35,562,597, plus strand): 5'-AGGAGGCCGAGGAGGCCAATGACCTTTCCCAGCAGGTGGCCAACCTGGCCATCTCCCCCA[C>T]CACCCCAGGGCCCACCTGGCCAGGAGACGCTCTCCGGTGAGTCTGTAGTTACAGTCTGTC-3'
Protein context (NP_055099.1, residues 440-460): QQVANLAISP[Thr450Ile]TPGPTWPGDA